The following is an entry in ClinVar:

ClinVar aggregate classification (germline): Uncertain significance (1 of 4 stars; one submission).

Conditions:
Myofibrillar myopathy 6. Identifiers: Orphanet 199340, MedGen C2751831, MONDO:0013061, OMIM 612954.
Dilated cardiomyopathy 1HH (CMD1HH). Identifiers: Orphanet 154, MedGen C3151293, MONDO:0013479, OMIM 613881.

Submission:

Labcorp Genetics (formerly Invitae), Labcorp
Classification: Uncertain significance for Dilated cardiomyopathy 1HH; Myofibrillar myopathy 6. Last evaluated: 2024-12-31. Review status: criteria provided, single submitter. Criteria: Invitae Variant Classification Sherloc (09022015). Collection method: clinical testing. Allele origin: germline.
Comment: This sequence change replaces proline, which is neutral and non-polar, with arginine, which is basic and polar, at codon 358 of the BAG3 protein (p.Pro358Arg). This variant is not present in population databases (gnomAD no frequency). This variant has not been reported in the literature in individuals affected with BAG3-related conditions. Invitae Evidence Modeling of protein sequence and biophysical properties (such as structural, functional, and spatial information, amino acid conservation, physicochemical variation, residue mobility, and thermodynamic stability) indicates that this missense variant is not expected to disrupt BAG3 protein function with a negative predictive value of 80%. In summary, the available evidence is currently insufficient to determine the role of this variant in disease. Therefore, it has been classified as a Variant of Uncertain Significance.

NM_004281.4(BAG3):c.1073C>G (p.Pro358Arg)

Gene: BAG3 (BAG cochaperone 3; plus strand). Cytogenetic location: 10q26.11.
Variant type: single nucleotide variant.
Coding change: c.1073C>G on transcript NM_004281.4 (MANE Select); coding-DNA position 1073, C replaced by G.
Protein change: p.Pro358Arg; replaces proline 358 with arginine.
Molecular consequence: missense variant.
Genome position (GRCh38, 1-based): chr10:119,676,627, C>G. VCF-style: chr10-119676627-C-G. GRCh37 (hg19) VCF-style: chr10-121436139-C-G.
Other names: short protein forms P358R.
Identifiers: ClinVar variation 3764073 (VCV003764073.2).